The following is an entry in ClinVar:

NM_014297.5(ETHE1):c.576C>A (p.Tyr192Ter)

Gene: ETHE1 (ETHE1 persulfide dioxygenase; minus strand). Cytogenetic location: 19q13.31.
Variant type: single nucleotide variant.
Coding change: c.576C>A on transcript NM_014297.5 (MANE Select); coding-DNA position 576, C replaced by A.
Protein change: p.Tyr192Ter; replaces tyrosine 192 with a stop codon.
Molecular consequence: nonsense.
Genome position (GRCh38, 1-based): chr19:43,508,794, G>T on the plus strand (C>A on the coding strand, the complement: ETHE1 is on the minus strand). VCF-style: chr19-43508794-G-T. GRCh37 (hg19) VCF-style: chr19-44012946-G-T.
Other names: c.543C>A, p.Tyr181Ter (NM_001320867.2); c.207C>A, p.Tyr69Ter (NM_001320868.2); c.282C>A, p.Tyr94Ter (NM_001320869.2); short protein forms Y181*, Y192*, Y69*, Y94*.
Identifiers: ClinVar variation 1809751 (VCV001809751.1), dbSNP rs2513605758, ClinGen allele CA406175134.

ClinVar aggregate classification (germline): Pathogenic (1 of 4 stars; one submission).

Submission:

Athena Diagnostics
Classification: Pathogenic. Last evaluated: 2019-12-16. Review status: criteria provided, single submitter. Criteria: Athena Diagnostics Criteria. Collection method: clinical testing. Allele origin: unknown.
Comment: This variant is expected to result in the loss of a functional protein. This variant has not been reported in large, multi-ethnic general populations. This variant has been identified in at least one individual with clinical features associated with this gene.This observation is not an independent occurrence and has been identified in the same individual by RCIGM, the other laboratory participating in the GEMINI study.